The following is an entry in ClinVar:

NM_000330.4(RS1):c.53-1G>A

Gene: RS1 (retinoschisin 1; minus strand). Cytogenetic location: Xp22.13.
Variant type: single nucleotide variant.
Coding change: c.53-1G>A on transcript NM_000330.4 (MANE Select); the canonical splice acceptor site of the intron before coding-DNA position 53, G replaced by A.
Molecular consequence: splice acceptor variant.
Genome position (GRCh38, 1-based): chrX:18,657,666, C>T on the plus strand (G>A on the coding strand, the complement: RS1 is on the minus strand). VCF-style: chrX-18657666-C-T. GRCh37 (hg19) VCF-style: chrX-18675786-C-T.
Identifiers: ClinVar variation 866919 (VCV000866919.4), dbSNP rs1928241490, ClinGen allele CA412376925.

ClinVar aggregate classification (germline): Pathogenic. Review status: reviewed by expert panel (3 of 4 stars). 3 submissions from 3 submitters: Pathogenic (1). 2 of the submissions do not count toward it. Last evaluated 2025-09-23.

Conditions:
RS1-related disorder. Also called: RS1-related condition.
Juvenile retinoschisis (RS1). Also called: X-Linked Juvenile Retinoschisis; X-linked retinoschisis. Identifiers: Orphanet 792, MedGen C3714753, MONDO:0010725, OMIM 312700.

Submissions (3):

ClinGen X-linked Inherited Retinal Disease Variant Curation Expert Panel, ClinGen
Classification: Pathogenic for Juvenile retinoschisis. Last evaluated: 2025-09-23. Review status: reviewed by expert panel. Criteria: ClinGen X LinkedIRD ACMG Specifications RS1 V1.0.0. Collection method: curation. Allele origin: germline. Inheritance: X-linked inheritance.
Comment: NM_000330.4(RS1):c.53-1G>A is a canonical splice site variant in intron 1, located 1 nucleotide before exon 2, and is predicted to disrupt splicing and induce skipping of exon 2, which is expected to disrupt a critical functional domain in RS1 (PVS1). This variant is absent from hemizygous individuals in gnomAD v4.1.0 (PM2_Supporting). The variant has been reported to segregate with X-linked retinoschisis through 2 meioses in one family (PP1_Moderate; PMID: 36212125). In summary, this variant is classified as pathogenic for X-linked retinoschisis based on the ClinGen X-linked Inherited Retinal Disease Expert Panel Specifications to the ACMG/AMP Variant Interpretation Guidelines for RS1 Version 1.0.0: PM2_Supporting, PVS1, and PP1_Moderate.

Blueprint Genetics
Classification: Pathogenic for RS1-related disorders. Last evaluated: 2021-10-30. Review status: criteria provided, single submitter. Criteria: ACMG Guidelines, 2015. Collection method: clinical testing. Allele origin: germline. Affected: yes. Observed: 2 variant alleles. Not counted in ClinVar's aggregate classification.

Institute of Human Genetics, University of Leipzig Medical Center
Classification: Pathogenic for Juvenile retinoschisis. Last evaluated: 2021-09-30. Review status: criteria provided, single submitter. Criteria: ACMG Guidelines, 2015. Collection method: clinical testing. Allele origin: unknown. Affected: yes. Not counted in ClinVar's aggregate classification.